The following continues an entry in ClinVar:

NM_000257.4(MYH7):c.2804A>T (p.Glu935Val)

Gene: MYH7. ClinVar aggregate classification (germline): Uncertain significance. Uncertain significance (1).

Submissions 6 to 11 of 11:

All of Us Research Program, National Institutes of Health
Classification: Uncertain significance for Cardiomyopathy. Last evaluated: 2024-09-23. Review status: criteria provided, single submitter. Criteria: ACMG Guidelines, 2015. Collection method: clinical testing. Allele origin: germline. Inheritance: Autosomal dominant inheritance. Observed: 3 variant alleles, 3 heterozygotes. Not counted in ClinVar's aggregate classification.
Comment: This missense variant replaces glutamic acid with valine at codon 935 of the MYH7 protein. Computational prediction tools indicate that this variant has a deleterious impact on protein structure and function. This variant is found within a highly conserved region of the myosin head domain. Missense variants in this region have been shown to be significantly overrepresented in individuals with affected with hypertrophic cardiomyopathy (PMID: 27532257). To our knowledge, functional studies have not been reported for this variant. This variant has been reported in at least one individual affected with hypertrophic cardiomyopathy (PMID: 27483260, 27600940, 32481709). It has also been reported in one infant affected with sudden death (PMID: 37589201) and as an incidental finding in one individual affected with Brugada syndrome (PMID: 36481846). This variant has been identified in 2/251492 chromosomes in the general population by the Genome Aggregation Database (gnomAD). The available evidence is insufficient to determine the role of this variant in disease conclusively. Therefore, this variant is classified as a Variant of Uncertain Significance.

This study involves interpretation of variants in research participants for the purpose of population health screening. Participant phenotype was not available at the time of variant classification. Additional details can be found in publication PMID: 35346344, PMCID: PMC8962531

Color Diagnostics, LLC DBA Color Health
Classification: Uncertain significance for Cardiomyopathy. Last evaluated: 2024-03-07. Review status: criteria provided, single submitter. Criteria: ACMG Guidelines, 2015. Collection method: clinical testing. Allele origin: germline. Not counted in ClinVar's aggregate classification.
Comment: This missense variant replaces glutamic acid with valine at codon 935 of the MYH7 protein. Computational prediction tools indicate that this variant has a deleterious impact on protein structure and function. This variant is found within a highly conserved region of the myosin head domain. Missense variants in this region have been shown to be significantly overrepresented in individuals with affected with hypertrophic cardiomyopathy (PMID: 27532257). To our knowledge, functional studies have not been reported for this variant. This variant has been reported in at least one individual affected with hypertrophic cardiomyopathy (PMID: 27483260, 27600940, 32481709). It has also been reported in one infant affected with sudden death (PMID: 37589201) and as an incidental finding in one individual affected with Brugada syndrome (PMID: 36481846). This variant has been identified in 2/251492 chromosomes in the general population by the Genome Aggregation Database (gnomAD). The available evidence is insufficient to determine the role of this variant in disease conclusively. Therefore, this variant is classified as a Variant of Uncertain Significance.

Fulgent Genetics
Classification: Uncertain significance for MYH7-related skeletal myopathy; Myosin storage myopathy; Hypertrophic cardiomyopathy 1; Myopathy, myosin storage, autosomal recessive; Congenital myopathy 4A, autosomal dominant; Dilated cardiomyopathy 1S. Last evaluated: 2021-07-29. Review status: criteria provided, single submitter. Criteria: ACMG Guidelines, 2015. Collection method: clinical testing. Allele origin: unknown. Not counted in ClinVar's aggregate classification.

Genomic Research Center, Shahid Beheshti University of Medical Sciences
Classification: Likely pathogenic for MYH7-Related Disorders. Last evaluated: 2019-04-27. Review status: criteria provided, single submitter. Criteria: ACMG Guidelines, 2015. Collection method: clinical testing. Allele origin: unknown. Affected: yes. Not counted in ClinVar's aggregate classification.

Genomic Research Center, Shahid Beheshti University of Medical Sciences
Classification: Likely pathogenic for Myopathy, distal, 1. Last evaluated: 2019-04-27. Review status: criteria provided, single submitter. Criteria: ACMG Guidelines, 2015. Collection method: clinical testing. Allele origin: unknown. Affected: yes. Not counted in ClinVar's aggregate classification.

Genomic Research Center, Shahid Beheshti University of Medical Sciences
Classification: Likely pathogenic for Scapuloperoneal myopathy, MYH7-related. Last evaluated: 2019-04-27. Review status: criteria provided, single submitter. Criteria: ACMG Guidelines, 2015. Collection method: clinical testing. Allele origin: unknown. Affected: yes. Not counted in ClinVar's aggregate classification.

Literature cited by the submitters: PubMed 27483260 (cited by 5 submitters); PubMed 34542152 (cited by Women's Health and Genetics/Laboratory Corporation of America, LabCorp); PubMed 37589201 (cited by 4 submitters); PubMed 27600940 (cited by 4 submitters); PubMed 32481709 (cited by 3 submitters); PubMed 7909436 (cited by Labcorp Genetics (formerly Invitae), Labcorp); PubMed 20975235 (cited by Labcorp Genetics (formerly Invitae), Labcorp); PubMed 24111713 (cited by Labcorp Genetics (formerly Invitae), Labcorp); PubMed 26178432 (cited by Labcorp Genetics (formerly Invitae), Labcorp); PubMed 29398688 (cited by Labcorp Genetics (formerly Invitae), Labcorp); PubMed 31589614 (cited by Ambry Genetics); PubMed 27532257 (cited by All of Us Research Program, National Institutes of Health and Color Diagnostics, LLC DBA Color Health); PubMed 36481846 (cited by All of Us Research Program, National Institutes of Health and Color Diagnostics, LLC DBA Color Health).